The following is an entry in ClinVar:

ClinVar aggregate classification (germline): Pathogenic. Review status: criteria provided, multiple submitters, no conflicts (2 of 4 stars). 2 submissions from 2 submitters: Pathogenic (2). Last evaluated 2022-05-16.

Conditions:
Short QT syndrome type 3. Identifiers: Orphanet 51083, MedGen C1865018, MONDO:0012314, OMIM 609622.

Submissions (2):

MGZ Medical Genetics Center
Classification: Pathogenic for Short QT syndrome type 3. Last evaluated: 2022-05-16. Review status: criteria provided, single submitter. Criteria: ACMG Guidelines, 2015. Collection method: clinical testing. Allele origin: germline. Affected: yes. Observed: 1 variant allele.
Comment: ACMG criteria applied: PS2, PM1, PM5, PM2_SUP, PP3

GeneDx
Classification: Pathogenic. Last evaluated: 2016-01-13. Review status: criteria provided, single submitter. Criteria: GeneDx Variant Classification (06012015). Collection method: clinical testing. Allele origin: germline. Affected: yes.
Comment: The M301R pathogenic variant in the KCNJ2 gene has not been reported previously as a pathogenic variant nor as a benign variant, to our knowledge. The M301R variant was not observed in approximately 6,500 individuals of European and African American ancestry in the NHLBI Exome Sequencing Project, indicating it is not a common benign variant in these populations. Functional studies of the M301R variant showed the homozygous channels were non-functional, whereas the heterozygous channels demonstrated decreased inward rectification, and the variant was classified as a gain of function pathogenic variant (Hattori et al., 2012). The M301R variant is a non-conservative amino acid substitution, which is likely to impact secondary protein structure as these residues differ in polarity, charge, size and/or other properties. This substitution occurs at a position that is conserved across species. Multiple missense variants in the same and nearby residues (including E299V, G300A, M301L, V302M, E303K) have been reported in the Human Gene Mutation Database in association with KCNJ2-related disorder (Stenson et al., 2014), supporting the functional importance of this region of the protein. We interpret M301R as a pathogenic variant

NM_000891.3(KCNJ2):c.902T>G (p.Met301Arg)

Gene: KCNJ2 (potassium inwardly rectifying channel subfamily J member 2; plus strand). Cytogenetic location: 17q24.3.
Variant type: single nucleotide variant.
Coding change: c.902T>G on transcript NM_000891.3 (MANE Select); coding-DNA position 902, T replaced by G.
Protein change: p.Met301Arg; replaces methionine 301 with arginine.
Molecular consequence: missense variant.
Genome position (GRCh38, 1-based): chr17:70,175,941, T>G. VCF-style: chr17-70175941-T-G. GRCh37 (hg19) VCF-style: chr17-68172082-T-G.
Other names: short protein forms M301R.
Identifiers: ClinVar variation 234729 (VCV000234729.3), dbSNP rs876661184, ClinGen allele CA10577578.